The following is an entry in ClinVar:

NM_152515.5(CKAP2L):c.78_79insTT (p.Gly27fs)

Gene: CKAP2L (cytoskeleton associated protein 2L; minus strand). Cytogenetic location: 2q14.1.
Variant type: Insertion.
Coding change: c.78_79insTT on transcript NM_152515.5 (MANE Select); coding-DNA positions 78 to 79, TT inserted.
Protein change: p.Gly27fs; shifts the reading frame from glycine 27.
Molecular consequence: frameshift variant. On other transcripts: 5 prime UTR variant (1), non-coding transcript variant (1).
Genome position: GRCh38 VCF-style: chr2-112762528-C-CAA. GRCh37 (hg19) VCF-style: chr2-113520105-C-CAA.
Other names: c.-359_-358insTT (NM_001304361.2); short protein forms G27fs.
Identifiers: ClinVar variation 162386 (VCV000162386.5), dbSNP rs727502803, ClinGen allele CA175013.

ClinVar aggregate classification (germline): Pathogenic/Likely pathogenic. Review status: criteria provided, multiple submitters, no conflicts (2 of 4 stars). 3 submissions from 3 submitters: Pathogenic (1); Likely pathogenic (1). 1 of the submissions does not count toward it. Last evaluated 2026-01-06.

Conditions:
CKAP2L-related disorder. Also called: CKAP2L-related condition.
Filippi syndrome (FLPIS). Identifiers: Orphanet 3255, MedGen C0795940, MONDO:0010092, OMIM 272440.

Allele frequency attached by ClinVar (database versions not stated): ExAC 0.00001; gnomAD 0.00001; gnomAD exomes 0.00002 and 0.00004; TOPMed 0.00002.

Submissions (3):

GeneDx
Classification: Pathogenic. Last evaluated: 2026-01-06. Review status: criteria provided, single submitter. Criteria: GeneDx Variant Classification Process June 2021. Collection method: clinical testing. Allele origin: germline.
Comment: Frameshift variant predicted to result in protein truncation or nonsense mediated decay in a gene for which loss of function is a known mechanism of disease; This variant is associated with the following publications: (PMID: 8867657, 38738944, 25439729)

PreventionGenetics, part of Exact Sciences
Classification: Likely pathogenic for CKAP2L-related condition. Last evaluated: 2025-09-22. Review status: criteria provided, single submitter. Criteria: ACMG Guidelines, 2015. Collection method: clinical testing. Allele origin: germline.
Comment: The CKAP2L c.78_79insTT variant is predicted to result in a frameshift and premature protein termination (p.Gly27Leufs*4). This variant has been reported in the compound heterozygous state in an individual with Filippi syndrome (Hussain et al. 2014. PubMed ID: 25439729). This variant is reported in 0.0087% of alleles in individuals of Latino descent in gnomAD. Frameshift variants in CKAP2L are expected to be pathogenic. This variant is interpreted as likely pathogenic.

OMIM
Classification: Pathogenic for FILIPPI SYNDROME. Last evaluated: 2014-11-06. Review status: no assertion criteria provided. Collection method: literature only. Allele origin: germline. Not counted in ClinVar's aggregate classification.

Literature cited by the submitters: PubMed 8867657 (cited by OMIM); PubMed 25439729 (cited by OMIM).